The following is an entry in ClinVar:

NM_000051.4(ATM):c.7487G>C (p.Gly2496Ala)

Genes: ATM (ATM serine/threonine kinase; plus strand), C11orf65 (chromosome 11 open reading frame 65; minus strand). Cytogenetic location: 11q22.3.
Variant type: single nucleotide variant.
Coding change: c.7487G>C on transcript NM_000051.4 (MANE Select); coding-DNA position 7487, G replaced by C.
Protein change: p.Gly2496Ala; replaces glycine 2496 with alanine.
Molecular consequence: missense variant. On other transcripts: intron variant (2).
Genome position (GRCh38, 1-based): chr11:108,330,393, G>C. VCF-style: chr11-108330393-G-C. GRCh37 (hg19) VCF-style: chr11-108201120-G-C.
Other names: c.7487G>C, p.Gly2496Ala (NM_001351834.2); c.641-21322C>G (NM_001330368.2); c.*38+4827C>G (NM_001351110.2); short protein forms G2496A.
Identifiers: ClinVar variation 630459 (VCV000630459.6), dbSNP rs764478418, ClinGen allele CA382560513.
Genomic context (GRCh38, chr11:108,330,393, plus strand): 5'-GTGGAGAAGAACATGATATGTGGGTATTCCGACTTTGTTCCCTCTGGCTTGAAAATTCTG[G>C]AGTTTCTGAAGTCAATGGCATGATGAAGGCAAGTGTTACTCAGCCCAATATTCTACCCTG-3'
Protein context (NP_000042.3, residues 2486-2506): RLCSLWLENS[Gly2496Ala]VSEVNGMMKR

ClinVar aggregate classification (germline): Uncertain significance (1 of 4 stars; one submission).

Conditions:
Hereditary cancer-predisposing syndrome. Also called: Tumor predisposition; Hereditary neoplastic syndrome; Neoplastic Syndromes, Hereditary; Hereditary Cancer Syndrome. Identifiers: Orphanet 140162, MedGen C0027672, MeSH D009386, MONDO:0015356.

Submission:

Color Diagnostics, LLC DBA Color Health
Classification: Uncertain significance for Hereditary cancer-predisposing syndrome. Last evaluated: 2023-12-05. Review status: criteria provided, single submitter. Criteria: ACMG Guidelines, 2015. Collection method: clinical testing. Allele origin: germline.
Comment: This missense variant replaces glycine with alanine at codon 2496 of the ATM protein. Computational prediction suggests that this variant may not impact protein structure and function (internally defined REVEL score threshold <= 0.5, PMID: 27666373). To our knowledge, functional studies have not been reported for this variant. This variant has not been reported in individuals affected with ATM-related disorders in the literature. This variant has not been identified in the general population by the Genome Aggregation Database (gnomAD). The available evidence is insufficient to determine the role of this variant in disease conclusively. Therefore, this variant is classified as a Variant of Uncertain Significance.